The following is an entry in ClinVar:

ClinVar aggregate classification (germline): Uncertain significance (1 of 4 stars; one submission).

Conditions:
Frasier syndrome. Identifiers: Orphanet 347, MedGen C0950122, MeSH D052159, MONDO:0007635, OMIM 136680.
Drash syndrome (DDS). Also called: NEPHROPATHY, WILMS TUMOR, AND GENITAL ANOMALIES; WILMS TUMOR AND PSEUDO- OR TRUE HERMAPHRODITISM. Identifiers: Orphanet 220, MedGen C0950121, MONDO:0008682, OMIM 194080.
Wilms tumor 1 (WT1). Also called: Wilms tumor, somatic. Identifiers: Orphanet 654, MedGen CN033288, MONDO:0008679, OMIM 194070.
11p partial monosomy syndrome (WAGR). Also called: CHROMOSOME 11p13 DELETION SYNDROME; WAGR syndrome; WAGR Complex; WAGR Spectrum Disorder. Identifiers: Orphanet 893, MedGen C0206115, MONDO:0008681, OMIM 194072.

Submission:

Labcorp Genetics (formerly Invitae), Labcorp
Classification: Uncertain significance for Wilms tumor 1; Drash syndrome; 11p partial monosomy syndrome; Frasier syndrome. Last evaluated: 2022-11-10. Review status: criteria provided, single submitter. Criteria: Invitae Variant Classification Sherloc (09022015). Collection method: clinical testing. Allele origin: germline.
Comment: Downstream of the non-canonical translation start site (CTG) at codon 1, the nearest methionine codon that can be used to initiate translation of the WT1 protein lies at codon 69. This downstream in-frame ATG is known as a major initiation site (PMID: 28811308, 16987884, 8621495). The functional significance of the different WT1 protein isoforms is unknown (PMID: 8621495), however mice lacking the N-terminal 68 amino acids develop normally and are fertile (PMID: 12640141). Based on these results, the impact of this variant on WT1 protein function is uncertain. In summary, the available evidence is currently insufficient to determine the role of this variant in disease. Therefore, it has been classified as a Variant of Uncertain Significance. This variant has not been reported in the literature in individuals affected with WT1-related conditions. This variant is not present in population databases (gnomAD no frequency). This sequence change creates a premature translational stop signal (p.Leu43*) in the WT1 gene. It is unclear whether it will result in an absent or disrupted protein product because a major initiation site located at codon 69 has the potential to rescue this variant.

Literature cited by the submitters: PubMed 28811308; PubMed 16987884; PubMed 8621495; PubMed 12640141.

NM_024426.6(WT1):c.143T>G (p.Leu48Ter)

Genes: WT1 (WT1 transcription factor; minus strand), LOC107982234 (WT1/WT1-AS bi-directional promoter region; plus strand). Cytogenetic location: 11p13.
Variant type: single nucleotide variant.
Coding change: c.143T>G on transcript NM_024426.6 (MANE Select); coding-DNA position 143, T replaced by G.
Protein change: p.Leu48Ter; replaces leucine 48 with a stop codon.
Molecular consequence: nonsense. On other transcripts: non-coding transcript variant (2).
Genome position (GRCh38, 1-based): chr11:32,435,218, A>C on the plus strand (T>G on the coding strand, the complement: WT1 is on the minus strand). VCF-style: chr11-32435218-A-C. GRCh37 (hg19) VCF-style: chr11-32456764-A-C.
Other names: c.143T>G, p.Leu48Ter (NM_000378.6, NM_001407044.1, NM_001407045.1 and 6 more transcripts); c.128T>G, p.Leu43Ter (NM_024425.2); short protein forms L43*, L48*.
Identifiers: ClinVar variation 2941479 (VCV002941479.3), dbSNP rs1565002394, ClinGen allele CA379966293.